The following is an entry in ClinVar:

ClinVar aggregate classification (germline): Uncertain significance (1 of 4 stars; one submission).

Conditions:
Welander distal myopathy (WDM). Also called: Welander distal myopathy, Swedish type; Distal myopathy, Swedish type; MUSCULAR DYSTROPHY, DISTAL, LATE-ONSET, AUTOSOMAL DOMINANT; Gower's muscular dystrophy. Identifiers: Orphanet 603, MedGen C0221054, MONDO:0011466, OMIM 604454.

Allele frequency attached by ClinVar (database versions not stated): TOPMed below 0.00001; gnomAD 0.00001; gnomAD exomes 0.00001; ExAC 0.00003.
gnomAD v4.1: 8 of 1,600,628 alleles (0.0005%); highest among the groups gnomAD compares: East Asian, 0.013%; no homozygotes.

Submission:

Labcorp Genetics (formerly Invitae), Labcorp
Classification: Uncertain significance for Welander distal myopathy. Last evaluated: 2023-08-20. Review status: criteria provided, single submitter. Criteria: Invitae Variant Classification Sherloc (09022015). Collection method: clinical testing. Allele origin: germline.
Comment: In summary, the available evidence is currently insufficient to determine the role of this variant in disease. Therefore, it has been classified as a Variant of Uncertain Significance. An algorithm developed to predict the effect of missense changes on protein structure and function (PolyPhen-2) suggests that this variant is likely to be disruptive. This variant has not been reported in the literature in individuals affected with TIA1-related conditions. This variant is present in population databases (rs777926752, gnomAD 0.03%). This sequence change replaces aspartic acid, which is acidic and polar, with asparagine, which is neutral and polar, at codon 3 of the TIA1 protein (p.Asp3Asn).

NM_022173.4(TIA1):c.7G>A (p.Asp3Asn)

Gene: TIA1 (TIA1 cytotoxic granule associated RNA binding protein; minus strand). Cytogenetic location: 2p13.3.
Variant type: single nucleotide variant.
Coding change: c.7G>A on transcript NM_022173.4 (MANE Select); coding-DNA position 7, G replaced by A.
Protein change: p.Asp3Asn; replaces aspartic acid 3 with asparagine.
Molecular consequence: missense variant. On other transcripts: 5 prime UTR variant (6), non-coding transcript variant (14), intron variant (3).
Genome position (GRCh38, 1-based): chr2:70,248,424, C>T on the plus strand (G>A on the coding strand, the complement: TIA1 is on the minus strand). VCF-style: chr2-70248424-C-T. GRCh37 (hg19) VCF-style: chr2-70475556-C-T.
Other names: c.7G>A, p.Asp3Asn (NM_001351508.2, NM_001351509.2, NM_001351510.2 and 7 more transcripts); c.-92G>A (NM_001351514.2, NM_001351523.2); c.-383G>A (NM_001351515.2); c.-632G>A (NM_001351517.2); c.-409G>A (NM_001351524.2); c.-447G>A (NM_001351525.2); c.-86+239G>A (NM_001351513.1, NM_001351511.1, NM_001351512.1); short protein forms D3N.
Identifiers: ClinVar variation 2909343 (VCV002909343.3), dbSNP rs777926752, ClinGen allele CA1697790.